The following is an entry in ClinVar:

ClinVar aggregate classification (germline): Uncertain significance (1 of 4 stars; one submission).

Allele frequency attached by ClinVar (database versions not stated): gnomAD exomes below 0.00001.
gnomAD v4.1: 1 of 1,612,488 alleles (0.000062%); highest among the groups gnomAD compares: Non-Finnish European, 0.000085%; no homozygotes.

Submission:

Labcorp Genetics (formerly Invitae), Labcorp
Classification: Uncertain significance. Last evaluated: 2023-04-29. Review status: criteria provided, single submitter. Criteria: Invitae Variant Classification Sherloc (09022015). Collection method: clinical testing. Allele origin: germline.
Comment: This sequence change replaces glutamine, which is neutral and polar, with leucine, which is neutral and non-polar, at codon 1759 of the ASPM protein (p.Gln1759Leu). This variant is not present in population databases (gnomAD no frequency). This variant has not been reported in the literature in individuals affected with ASPM-related conditions. Advanced modeling of protein sequence and biophysical properties (such as structural, functional, and spatial information, amino acid conservation, physicochemical variation, residue mobility, and thermodynamic stability) performed at Invitae indicates that this missense variant is not expected to disrupt ASPM protein function. In summary, the available evidence is currently insufficient to determine the role of this variant in disease. Therefore, it has been classified as a Variant of Uncertain Significance.

NM_018136.5(ASPM):c.5276A>T (p.Gln1759Leu)

Gene: ASPM (assembly factor for spindle microtubules; minus strand). Cytogenetic location: 1q31.3.
Variant type: single nucleotide variant.
Coding change: c.5276A>T on transcript NM_018136.5 (MANE Select); coding-DNA position 5276, A replaced by T.
Protein change: p.Gln1759Leu; replaces glutamine 1759 with leucine.
Molecular consequence: missense variant. On other transcripts: intron variant (1).
Genome position (GRCh38, 1-based): chr1:197,103,975, T>A on the plus strand (A>T on the coding strand, the complement: ASPM is on the minus strand). VCF-style: chr1-197103975-T-A. GRCh37 (hg19) VCF-style: chr1-197073105-T-A.
Other names: c.4066-7811A>T (NM_001206846.2); short protein forms Q1759L.
Identifiers: ClinVar variation 2775852 (VCV002775852.3), dbSNP rs1557947525, ClinGen allele CA344027151.